The following is an entry in ClinVar:

ClinVar aggregate classification (germline): Benign/Likely benign. Review status: criteria provided, multiple submitters, no conflicts (2 of 4 stars). 4 submissions from 4 submitters: Benign (1); Likely benign (3). Last evaluated 2026-02-01.

Conditions:
Hyper-IgE recurrent infection syndrome 1, autosomal dominant. Also called: Job's Syndrome; JOB SYNDROME; Hyper-IgE recurrent infection syndrome 1; STAT3 Hyper IgE Syndrome; HYPER-IgE SYNDROME 1, AUTOSOMAL DOMINANT, WITH RECURRENT INFECTIONS. Identifiers: Orphanet 2314, MedGen C2936739, MONDO:0007818, OMIM 147060.
STAT3 gain of function. Identifiers: MedGen C4288261.

Allele frequency attached by ClinVar (database versions not stated): ExAC 0.00029; gnomAD exomes 0.00030; ESP Exome Variant Server 0.00054; TOPMed 0.00078; gnomAD 0.00089; 1000 Genomes Project 30x 0.00187; 1000 Genomes Project 0.00200.
gnomAD v4.1: 367 of 1,614,090 alleles (0.023%); highest among the groups gnomAD compares: African/African-American, 0.31%; 1 homozygote.

Submissions (4):

Labcorp Genetics (formerly Invitae), Labcorp
Classification: Benign for STAT3 gain of function; Hyper-IgE recurrent infection syndrome 1, autosomal dominant. Last evaluated: 2026-02-01. Review status: criteria provided, single submitter. Criteria: Invitae Variant Classification Sherloc (09022015). Collection method: clinical testing. Allele origin: germline.

Blueprint Genetics
Classification: Likely benign. Last evaluated: 2024-09-18. Review status: criteria provided, single submitter. Criteria: ACMG Guidelines, 2015. Collection method: clinical testing. Allele origin: germline.

GeneDx
Classification: Likely benign. Last evaluated: 2015-10-13. Review status: criteria provided, single submitter. Criteria: GeneDx Variant Classification (06012015). Collection method: clinical testing. Allele origin: germline. Affected: yes.
Comment: This variant is considered likely benign or benign based on one or more of the following criteria: it is a conservative change, it occurs at a poorly conserved position in the protein, it is predicted to be benign by multiple in silico algorithms, and/or has population frequency not consistent with disease.

Breakthrough Genomics
Classification: Likely benign. Review status: criteria provided, single submitter. Criteria: ACMG Guidelines, 2015. Collection method: not provided. Allele origin: germline. Inheritance: Autosomal dominant inheritance. Affected: yes.

NM_139276.3(STAT3):c.225G>A (p.Ser75=)

Gene: STAT3 (signal transducer and activator of transcription 3; minus strand). Cytogenetic location: 17q21.2.
Variant type: single nucleotide variant.
Coding change: c.225G>A on transcript NM_139276.3 (MANE Select); coding-DNA position 225, G replaced by A.
Protein change: p.Ser75=; no amino-acid change (serine 75 retained).
Molecular consequence: synonymous variant.
Genome position (GRCh38, 1-based): chr17:42,346,617, C>T on the plus strand (G>A on the coding strand, the complement: STAT3 is on the minus strand). VCF-style: chr17-42346617-C-T. GRCh37 (hg19) VCF-style: chr17-40498635-C-T.
Other names: c.225G>A, p.Ser75= (NM_001369512.1, NM_001369513.1, NM_001369514.1 and 17 more transcripts).
Identifiers: ClinVar variation 378671 (VCV000378671.14), dbSNP rs146184566, ClinGen allele CA8575694.
Genomic context (GRCh38, chr17:42,346,617, plus strand): 5'-TTCTCATCATACCTGAAGAAACTGCTTGATTCTTCGTAGATTGTGCTGATAGAGAACATT[C>T]GACTCTTGCAGGAAGCGGCTATACTGCTGGTCAATCTCTCCCAGGAGATTATGAAACACC-3'
Protein context (NP_644805.1, residues 65-85): DQQYSRFLQE[Ser75=]NVLYQHNLRR